The following is an entry in ClinVar:

ClinVar aggregate classification (germline): Uncertain significance (1 of 4 stars; one submission).

Conditions:
Fanconi anemia complementation group O. Also called: RAD51C-Related Fanconi Anemia. Identifiers: Orphanet 84, MedGen C3150653, MONDO:0013248, OMIM 613390.

Allele frequency attached by ClinVar (database versions not stated): gnomAD exomes below 0.00001.
gnomAD v4.1: 1 of 1,613,666 alleles (0.000062%); highest among the groups gnomAD compares: Non-Finnish European, 0.000085%; no homozygotes.

Submission:

Labcorp Genetics (formerly Invitae), Labcorp
Classification: Uncertain significance for Fanconi anemia complementation group O. Last evaluated: 2021-03-13. Review status: criteria provided, single submitter. Criteria: Invitae Variant Classification Sherloc (09022015). Collection method: clinical testing. Allele origin: germline.
Comment: In summary, the available evidence is currently insufficient to determine the role of this variant in disease. Therefore, it has been classified as a Variant of Uncertain Significance. Algorithms developed to predict the effect of missense changes on protein structure and function output the following: SIFT: "Tolerated"; PolyPhen-2: "Benign"; Align-GVGD: "Class C0". The serine amino acid residue is found in multiple mammalian species, suggesting that this missense change does not adversely affect protein function. These predictions have not been confirmed by published functional studies and their clinical significance is uncertain. This variant has not been reported in the literature in individuals with RAD51C-related conditions. This variant is not present in population databases (ExAC no frequency). This sequence change replaces leucine with serine at codon 363 of the RAD51C protein (p.Leu363Ser). The leucine residue is weakly conserved and there is a large physicochemical difference between leucine and serine.

NM_058216.3(RAD51C):c.1088T>C (p.Leu363Ser)

Gene: RAD51C (RAD51 paralog C; plus strand). Cytogenetic location: 17q22.
Variant type: single nucleotide variant.
Coding change: c.1088T>C on transcript NM_058216.3 (MANE Select); coding-DNA position 1088, T replaced by C.
Protein change: p.Leu363Ser; replaces leucine 363 with serine.
Molecular consequence: missense variant. On other transcripts: non-coding transcript variant (1).
Genome position (GRCh38, 1-based): chr17:58,734,179, T>C. VCF-style: chr17-58734179-T-C. GRCh37 (hg19) VCF-style: chr17-56811540-T-C.
Other names: short protein forms L363S.
Identifiers: ClinVar variation 1502231 (VCV001502231.8), dbSNP rs2144062004, ClinGen allele CA400366389.